The following is an entry in ClinVar:

ClinVar aggregate classification (germline): Uncertain significance (1 of 4 stars; one submission).

Submission:

Labcorp Genetics (formerly Invitae), Labcorp
Classification: Uncertain significance. Last evaluated: 2022-02-24. Review status: criteria provided, single submitter. Criteria: Invitae Variant Classification Sherloc (09022015). Collection method: clinical testing. Allele origin: germline.
Comment: In summary, the available evidence is currently insufficient to determine the role of this variant in disease. Therefore, it has been classified as a Variant of Uncertain Significance. Algorithms developed to predict the effect of missense changes on protein structure and function (SIFT, PolyPhen-2, Align-GVGD) all suggest that this variant is likely to be tolerated. ClinVar contains an entry for this variant (Variation ID: 1014265). This variant has not been reported in the literature in individuals affected with PLA2G5-related conditions. This variant is not present in population databases (gnomAD no frequency). This sequence change replaces glutamine, which is neutral and polar, with proline, which is neutral and non-polar, at codon 128 of the PLA2G5 protein (p.Gln128Pro).

NM_000929.3(PLA2G5):c.383A>C (p.Gln128Pro)

Gene: PLA2G5 (phospholipase A2 group V; plus strand). Cytogenetic location: 1p36.13.
Variant type: single nucleotide variant.
Coding change: c.383A>C on transcript NM_000929.3 (MANE Select); coding-DNA position 383, A replaced by C.
Protein change: p.Gln128Pro; replaces glutamine 128 with proline.
Molecular consequence: missense variant.
Genome position (GRCh38, 1-based): chr1:20,090,658, A>C. VCF-style: chr1-20090658-A-C. GRCh37 (hg19) VCF-style: chr1-20417151-A-C.
Other names: short protein forms Q128P.
Identifiers: ClinVar variation 1014265 (VCV001014265.10), dbSNP rs771124138, ClinGen allele CA338823067.